The following is an entry in ClinVar:

GRCh37/hg19 6q16.1-16.2(chr6:97904220-99964434)x1

Genes: COQ3 (coenzyme Q3, methyltransferase; minus strand), FAXC (failed axon connections homolog, metaxin like GST domain containing; minus strand), FBXL4 (F-box and leucine rich repeat protein 4; minus strand), PNISR (PNN interacting serine and arginine rich protein; minus strand), POU3F2 (POU class 3 homeobox 2; plus strand) and 1 more. Cytogenetic location: 6q16.1-16.2.
Variant type: copy number loss.
Change: copy number 1 (one copy instead of two) of chr6:97,904,220-99,964,434 (2.06 Mb, GRCh37 coordinates, 1-based), cytogenetic band 6q16.1-16.2.
Identifiers: ClinVar variation 1807771 (VCV001807771.1).

ClinVar aggregate classification (germline): Likely pathogenic (1 of 4 stars; one submission).

Submission:

Quest Diagnostics Nichols Institute San Juan Capistrano
Classification: Likely pathogenic. Last evaluated: 2021-09-28. Review status: criteria provided, single submitter. Criteria: ACMG/ClinGen CNV Guidelines, 2019. Collection method: clinical testing. Allele origin: unknown.
Comment: The copy number loss of 6q16.1q16.2 involves multiple protein-coding genes, none of which is currently associated with an autosomal dominant disorder. De novo or inherited deletions of 6q16.1q16.2 overlapping this region have been reported in families and unrelated individuals with Prader-Willi-like phenotypes, including developmental delay, intellectual disability, behavioral abnormalities, and susceptibility to obesity and hyperphagia. There are at least two affected individuals with smaller deletions fully encompassed in the current interval, both with neurodevelopmental deficits but not obesity or hyperphagia (Kasher 2016, Strunk 2016, Bonaglia 2008). The proposed regions of overlap in different reports seem to always include the POU3F2 (OMIM 600494) and FBXL4 (OMIM 605654) genes, both of which are contained in this interval. Of note, functional studies have shown that POU3F2 is a critical gene for hypothalamic development and suggested that the neuropsychiatric deficits of patients with 6q16.1q16.2 deletions may be associated with haploinsufficiency of this gene (Kasher 2016). Additionally, there are two genes in this copy number loss that are associated with autosomal recessive disorders: FBXL4 (OMIM 605654) and USP45 (OMIM 618439). There are no similar copy number losses of this region in the general populations of the Database of Genomic Variants. Although hemizygous deletions of this specific locus have not been reported, based on gene content and review of the medical literature, this copy number variant (CNV) is interpreted as likely pathogenic. References: Bonaglia et al., Eur J Hum Genet. 2008 Dec;16(12):1443-9. PMID: 18648397. Kasher et al., Am J Hum Genet. 2016 Feb 4;98(2):363-72. PMID: 26833329. Strunk et al., Mol Cytogenet. 2016 Dec 3;9:88. PMID: 27980676.